The following is an entry in ClinVar:

ClinVar aggregate classification (germline): Uncertain significance (1 of 4 stars; one submission).

Conditions:
Cardiovascular phenotype. Identifiers: MedGen CN230736.

Allele frequency attached by ClinVar (database versions not stated): gnomAD exomes below 0.00001.
gnomAD v4.1: 3 of 1,613,258 alleles (0.00019%); highest among the groups gnomAD compares: Non-Finnish European, 0.00025%; no homozygotes.

Submission:

Ambry Genetics
Classification: Uncertain significance for Cardiovascular phenotype. Last evaluated: 2020-01-10. Review status: criteria provided, single submitter. Criteria: Ambry Variant Classification Scheme 2023. Collection method: clinical testing. Allele origin: germline.
Comment: The p.N15327S variant (also known as c.45980A>G), located in coding exon 153 of the TTN gene, results from an A to G substitution at nucleotide position 45980. The asparagine at codon 15327 is replaced by serine, an amino acid with highly similar properties. This amino acid position is highly conserved in available vertebrate species. In addition, this alteration is predicted to be tolerated by in silico analysis. Since supporting evidence is limited at this time, the clinical significance of this alteration remains unclear.

NM_001267550.2(TTN):c.73175A>G (p.Asn24392Ser)

Genes: TTN (titin; minus strand), TTN-AS1 (TTN antisense RNA 1; plus strand). Cytogenetic location: 2q31.2.
Variant type: single nucleotide variant.
Coding change: c.73175A>G on transcript NM_001267550.2 (MANE Select); coding-DNA position 73175, A replaced by G.
Protein change: p.Asn24392Ser; replaces asparagine 24392 with serine.
Molecular consequence: missense variant.
Genome position (GRCh38, 1-based): chr2:178,572,957, T>C on the plus strand (A>G on the coding strand, the complement: TTN is on the minus strand). VCF-style: chr2-178572957-T-C. GRCh37 (hg19) VCF-style: chr2-179437684-T-C.
Other names: c.68252A>G, p.Asn22751Ser (NM_001256850.1); c.45980A>G, p.Asn15327Ser (NM_003319.4); c.65471A>G, p.Asn21824Ser (NM_133378.4); c.46355A>G, p.Asn15452Ser (NM_133432.3); c.46556A>G, p.Asn15519Ser (NM_133437.4); short protein forms N15519S, N15327S, N22751S, N21824S, N15452S, N24392S.
Identifiers: ClinVar variation 1741738 (VCV001741738.2), dbSNP rs2468562295, ClinGen allele CA349643500.
Genomic context (GRCh38, chr2:178,572,957, plus strand): 5'-AGGGCAGGTTCCCCAAGTCCTTCGGAATTCATGGCATAGATGCGGATCTTATATTCCTGA[T>C]TCTCTGTGAGGCCAGTGATAGTATACGAAGTTGCCTTGAGTCCTGCTGGTGGAGTGACAA-3'
Protein context (NP_001254479.2, residues 24382-24402): TSYTITGLTE[Asn24392Ser]QEYKIRIYAM